The following is an entry in ClinVar:

NM_014845.6(FIG4):c.165+2T>G

Gene: FIG4 (FIG4 phosphoinositide 5-phosphatase; plus strand). Cytogenetic location: 6q21.
Variant type: single nucleotide variant.
Coding change: c.165+2T>G on transcript NM_014845.6 (MANE Select); the canonical splice donor site of the intron after coding-DNA position 165, T replaced by G.
Molecular consequence: splice donor variant.
Genome position (GRCh38, 1-based): chr6:109,715,178, T>G. VCF-style: chr6-109715178-T-G. GRCh37 (hg19) VCF-style: chr6-110036381-T-G.
Identifiers: ClinVar variation 2814343 (VCV002814343.3), dbSNP rs747899855, ClinGen allele CA365211786.

ClinVar aggregate classification (germline): Likely pathogenic (1 of 4 stars; one submission).

Conditions:
Charcot-Marie-Tooth disease type 4. Also called: Charcot-Marie-Tooth, Type 4; Charcot-Marie-Tooth disease, type IV. Identifiers: Orphanet 64749, MedGen C4082197, MONDO:0018995.

Submission:

Labcorp Genetics (formerly Invitae), Labcorp
Classification: Likely pathogenic for Charcot-Marie-Tooth disease type 4. Last evaluated: 2024-10-30. Review status: criteria provided, single submitter. Criteria: Invitae Variant Classification Sherloc (09022015). Collection method: clinical testing. Allele origin: germline.
Comment: This sequence change affects a donor splice site in intron 2 of the FIG4 gene. It is expected to disrupt RNA splicing. Variants that disrupt the donor or acceptor splice site typically lead to a loss of protein function (PMID: 16199547), and loss-of-function variants in FIG4 are known to be pathogenic (PMID: 23623387, 30740813). This variant is not present in population databases (gnomAD no frequency). This variant has not been reported in the literature in individuals affected with FIG4-related conditions. ClinVar contains an entry for this variant (Variation ID: 2814343). Algorithms developed to predict the effect of sequence changes on RNA splicing suggest that this variant may disrupt the consensus splice site. In summary, the currently available evidence indicates that the variant is pathogenic, but additional data are needed to prove that conclusively. Therefore, this variant has been classified as Likely Pathogenic.

Literature cited by the submitters: PubMed 16199547; PubMed 23623387; PubMed 30740813.